The following is an entry in ClinVar:

ClinVar aggregate classification (germline): Likely benign. Review status: criteria provided, multiple submitters, no conflicts (2 of 4 stars). 3 submissions from 3 submitters: Likely benign (3). Last evaluated 2023-07-12.

Conditions:
Diabetic retinopathy. Identifiers: MedGen C0011884, MONDO:0005266.
Familial thoracic aortic aneurysm and aortic dissection (TAAD). Also called: Thoracic aortic aneurysms and dissections. Identifiers: Orphanet 91387, MedGen C4707243, MONDO:0019625.

Submissions (3):

Labcorp Genetics (formerly Invitae), Labcorp
Classification: Likely benign for Familial thoracic aortic aneurysm and aortic dissection. Last evaluated: 2023-07-12. Review status: criteria provided, single submitter. Criteria: Invitae Variant Classification Sherloc (09022015). Collection method: clinical testing. Allele origin: germline.

Color Diagnostics, LLC DBA Color Health
Classification: Likely benign for Familial thoracic aortic aneurysm and aortic dissection. Last evaluated: 2019-07-26. Review status: criteria provided, single submitter. Criteria: ACMG Guidelines, 2015. Collection method: clinical testing. Allele origin: germline.

Clinical Genomics, Uppaluri K&H Personalized Medicine Clinic
Classification: Likely benign for Diabetic retinopathy. Review status: criteria provided, single submitter. Criteria: K And H Uppaluri Personalized Medicine Clinic Variant Classification And Assertion Criteria Updated V 2. Collection method: research. Allele origin: unknown.
Comment: Potent mutations in TGFBR2 gene encodes the transforming growth factor that have been associated with angiogenesis and diabetic retinopathy. More clinical studies are needed for stronger association. However, more evidence is required to confer the association of this particular variant rs1698701197 with diabetic retinopathy.

Literature cited by the submitters: PubMed 30222965 (cited by Clinical Genomics, Uppaluri K&H Personalized Medicine Clinic); PubMed 28162229 (cited by Clinical Genomics, Uppaluri K&H Personalized Medicine Clinic); PubMed 34572573 (cited by Clinical Genomics, Uppaluri K&H Personalized Medicine Clinic).

NM_003242.6(TGFBR2):c.156A>G (p.Lys52=)

Gene: TGFBR2 (transforming growth factor beta receptor 2; plus strand). Cytogenetic location: 3p24.1.
Variant type: single nucleotide variant.
Coding change: c.156A>G on transcript NM_003242.6 (MANE Select); coding-DNA position 156, A replaced by G.
Protein change: p.Lys52=; no amino-acid change (lysine 52 retained).
Molecular consequence: synonymous variant. On other transcripts: intron variant (2).
Genome position (GRCh38, 1-based): chr3:30,644,808, A>G. VCF-style: chr3-30644808-A-G. GRCh37 (hg19) VCF-style: chr3-30686300-A-G.
Other names: c.231A>G, p.Lys77= (NM_001024847.3, NM_001407126.1, NM_001407139.1); c.156A>G, p.Lys52= (NM_001407127.1, NM_001407130.1); c.183A>G, p.Lys61= (NM_001407128.1); c.51A>G, p.Lys17= (NM_001407129.1, NM_001407132.1, NM_001407133.1 and 3 more transcripts); c.169+21535A>G (NM_001407137.1); c.95-26830A>G (NM_001407138.1).
Identifiers: ClinVar variation 922846 (VCV000922846.11), dbSNP rs1698701197, ClinGen allele CA432917318.